The following is an entry in ClinVar:

ClinVar aggregate classification (germline): Uncertain significance. Review status: criteria provided, multiple submitters, no conflicts (2 of 4 stars). 3 submissions from 3 submitters: Uncertain significance (3). Last evaluated 2026-01-19.

Conditions:
Hereditary cancer-predisposing syndrome. Also called: Hereditary neoplastic syndrome; Neoplastic Syndromes, Hereditary; Hereditary Cancer Syndrome; Tumor predisposition. Identifiers: Orphanet 140162, MedGen C0027672, MeSH D009386, MONDO:0015356.
Rhabdoid tumor predisposition syndrome 2 (RTPS2). Identifiers: Orphanet 231108, Orphanet 69077, MedGen C2750074, MONDO:0013224, OMIM 613325.

Allele frequency attached by ClinVar (database versions not stated): gnomAD exomes below 0.00001 and 0.00001; ExAC 0.00001; gnomAD 0.00001; 1000 Genomes Project 30x 0.00016; 1000 Genomes Project 0.00020.
gnomAD v4.1: 3 of 1,613,712 alleles (0.00019%); highest among the groups gnomAD compares: Non-Finnish European, 0.00025%; no homozygotes.

Submissions (3):

Labcorp Genetics (formerly Invitae), Labcorp
Classification: Uncertain significance for Rhabdoid tumor predisposition syndrome 2. Last evaluated: 2026-01-19. Review status: criteria provided, single submitter. Criteria: Invitae Variant Classification Sherloc (09022015). Collection method: clinical testing. Allele origin: germline.
Comment: This sequence change replaces arginine, which is basic and polar, with cysteine, which is neutral and slightly polar, at codon 444 of the SMARCA4 protein (p.Arg444Cys). This variant is present in population databases (rs550815250, gnomAD 0.002%). This variant has not been reported in the literature in individuals affected with SMARCA4-related conditions. ClinVar contains an entry for this variant (Variation ID: 581707). Invitae Evidence Modeling of protein sequence and biophysical properties (such as structural, functional, and spatial information, amino acid conservation, physicochemical variation, residue mobility, and thermodynamic stability) indicates that this missense variant is expected to disrupt SMARCA4 protein function with a positive predictive value of 95%. In summary, the available evidence is currently insufficient to determine the role of this variant in disease. Therefore, it has been classified as a Variant of Uncertain Significance.

Ambry Genetics
Classification: Uncertain significance for Hereditary cancer-predisposing syndrome. Last evaluated: 2025-06-10. Review status: criteria provided, single submitter. Criteria: Ambry Variant Classification Scheme 2023. Collection method: clinical testing. Allele origin: germline.
Comment: The p.R444C variant (also known as c.1330C>T), located in coding exon 7 of the SMARCA4 gene, results from a C to T substitution at nucleotide position 1330. The arginine at codon 444 is replaced by cysteine, an amino acid with highly dissimilar properties. This amino acid position is highly conserved in available vertebrate species. In addition, the in silico prediction for this alteration is inconclusive. Based on the available evidence, the clinical significance of this variant remains unclear.

Blueprint Genetics
Classification: Uncertain significance. Last evaluated: 2023-11-28. Review status: criteria provided, single submitter. Criteria: ACMG Guidelines, 2015. Collection method: clinical testing. Allele origin: germline.

NM_003072.5(SMARCA4):c.1330C>T (p.Arg444Cys)

Gene: SMARCA4 (SWI/SNF related BAF chromatin remodeling complex subunit ATPase 4; plus strand). Cytogenetic location: 19p13.2.
Variant type: single nucleotide variant.
Coding change: c.1330C>T on transcript NM_003072.5 (MANE Select); coding-DNA position 1330, C replaced by T.
Protein change: p.Arg444Cys; replaces arginine 444 with cysteine.
Molecular consequence: missense variant. On other transcripts: non-coding transcript variant (1).
Genome position (GRCh38, 1-based): chr19:10,991,234, C>T. VCF-style: chr19-10991234-C-T. GRCh37 (hg19) VCF-style: chr19-11101910-C-T.
Other names: c.1330C>T, p.Arg444Cys (NM_001128844.3, NM_001128845.2, NM_001128846.2 and 5 more transcripts); short protein forms R444C.
Identifiers: ClinVar variation 581707 (VCV000581707.14), dbSNP rs550815250, ClinGen allele CA9203752.
Genomic context (GRCh38, chr19:10,991,234, plus strand): 5'-ATGCGGAGGGACACAGCGCTGGAGACAGCCCTCAATGCTAAGGCCTACAAGCGCAGCAAG[C>T]GCCAGTCCCTGCGCGAGGCCCGCATCACTGAGAAGCTGGAGAAGCAGCAGAAGATCGAGC-3'
Protein context (NP_003063.2, residues 434-454): LNAKAYKRSK[Arg444Cys]QSLREARITE